The following is an entry in ClinVar:

ClinVar aggregate classification (germline): Pathogenic/Likely pathogenic. Review status: criteria provided, multiple submitters, no conflicts (2 of 4 stars). 4 submissions from 4 submitters: Pathogenic (1); Likely pathogenic (3). Last evaluated 2025-11-06.

Conditions:
Combined malonic and methylmalonic acidemia. Identifiers: Orphanet 289504, MedGen C3280314, MONDO:0013661, OMIM 614265.

Allele frequency attached by ClinVar (database versions not stated): gnomAD exomes below 0.00001; TOPMed below 0.00001.
gnomAD v4.1: 4 of 1,605,860 alleles (0.00025%); highest among the groups gnomAD compares: Non-Finnish European, 0.00034%; no homozygotes.

Submissions (4):

Natera, Inc.
Classification: Likely pathogenic for Combined malonic and methylmalonic aciduria. Last evaluated: 2025-11-06. Review status: criteria provided, single submitter. Criteria: Natera Variant Classification Schema (03/2026). Collection method: clinical testing. Allele origin: germline.
Comment: The c.1607G>A variant in ACSF3 is a nonsense variant predicted to introduce a stop codon at amino acid 536. This variant is expected to result in nonsense mediated decay, truncation, or a dysfunctional protein product. This variant is rare in the general population with a frequency below the threshold expected for the associated phenotype(s). Given the available evidence, this variant is classified as Likely Pathogenic.

Fulgent Genetics
Classification: Likely pathogenic for Combined malonic and methylmalonic acidemia. Last evaluated: 2024-06-18. Review status: criteria provided, single submitter. Criteria: ACMG Guidelines, 2015. Collection method: clinical testing. Allele origin: germline.

Baylor Genetics
Classification: Likely pathogenic for Combined malonic and methylmalonic acidemia. Last evaluated: 2024-03-11. Review status: criteria provided, single submitter. Criteria: ACMG Guidelines, 2015. Collection method: clinical testing. Allele origin: unknown.

Labcorp Genetics (formerly Invitae), Labcorp
Classification: Pathogenic for Combined malonic and methylmalonic acidemia. Last evaluated: 2023-11-06. Review status: criteria provided, single submitter. Criteria: Invitae Variant Classification Sherloc (09022015). Collection method: clinical testing. Allele origin: germline.
Comment: This sequence change creates a premature translational stop signal (p.Trp536*) in the ACSF3 gene. While this is not anticipated to result in nonsense mediated decay, it is expected to disrupt the last 41 amino acid(s) of the ACSF3 protein. This variant is present in population databases (rs779820462, gnomAD 0.0009%). This variant has not been reported in the literature in individuals affected with ACSF3-related conditions. ClinVar contains an entry for this variant (Variation ID: 837811). This variant disrupts a region of the ACSF3 protein in which other variant(s) (p.Arg558Trp) have been determined to be pathogenic (PMID: 21841779, 26827111). This suggests that this is a clinically significant region of the protein, and that variants that disrupt it are likely to be disease-causing. For these reasons, this variant has been classified as Pathogenic.

Literature cited by the submitters: PubMed 21841779 (cited by Labcorp Genetics (formerly Invitae), Labcorp); PubMed 26827111 (cited by Labcorp Genetics (formerly Invitae), Labcorp).

NM_001243279.3(ACSF3):c.1607G>A (p.Trp536Ter)

Gene: ACSF3 (acyl-CoA synthetase family member 3; plus strand). Cytogenetic location: 16q24.3.
Variant type: single nucleotide variant.
Coding change: c.1607G>A on transcript NM_001243279.3 (MANE Select); coding-DNA position 1607, G replaced by A.
Protein change: p.Trp536Ter; replaces tryptophan 536 with a stop codon.
Molecular consequence: nonsense. On other transcripts: non-coding transcript variant (4).
Genome position (GRCh38, 1-based): chr16:89,146,043, G>A. VCF-style: chr16-89146043-G-A. GRCh37 (hg19) VCF-style: chr16-89212451-G-A.
Other names: c.1607G>A, p.Trp536Ter (NM_001127214.4, NM_174917.5); c.812G>A, p.Trp271Ter (NM_001284316.2); short protein forms W271*, W536*.
Identifiers: ClinVar variation 837811 (VCV000837811.13), dbSNP rs779820462, ClinGen allele CA8238299.